The following is an entry in ClinVar:

NM_022042.4(SLC26A1):c.1244C>A (p.Ser415Tyr)

Genes: IDUA (alpha-L-iduronidase; plus strand), SLC26A1 (solute carrier family 26 member 1; minus strand). Cytogenetic location: 4p16.3.
Variant type: single nucleotide variant.
Coding change: c.1244C>A on transcript NM_022042.4 (MANE Select); coding-DNA position 1244, C replaced by A.
Protein change: p.Ser415Tyr; replaces serine 415 with tyrosine.
Molecular consequence: missense variant. On other transcripts: intron variant (2).
Genome position (GRCh38, 1-based): chr4:989,695, G>T on the plus strand (C>A on the coding strand, the complement: SLC26A1 is on the minus strand). VCF-style: chr4-989695-G-T. GRCh37 (hg19) VCF-style: chr4-983483-G-T.
Other names: c.1244C>A, p.Ser415Tyr (NM_213613.4); c.576+1433C>A (NM_134425.4); c.299+1746G>T (NM_000203.5); short protein forms S415Y.
Identifiers: ClinVar variation 2972114 (VCV002972114.3), dbSNP rs200470975, ClinGen allele CA91147946.

ClinVar aggregate classification (germline): Uncertain significance (1 of 4 stars; one submission).

gnomAD v4.1: 73 of 1,562,244 alleles (0.0047%); highest among the groups gnomAD compares: Non-Finnish European, 0.0062%; no homozygotes.

Submission:

Labcorp Genetics (formerly Invitae), Labcorp
Classification: Uncertain significance. Last evaluated: 2024-01-11. Review status: criteria provided, single submitter. Criteria: Invitae Variant Classification Sherloc (09022015). Collection method: clinical testing. Allele origin: germline.
Comment: This sequence change replaces serine, which is neutral and polar, with tyrosine, which is neutral and polar, at codon 415 of the SLC26A1 protein (p.Ser415Tyr). This variant is present in population databases (no rsID available, gnomAD 0.006%). This variant has not been reported in the literature in individuals affected with SLC26A1-related conditions. Advanced modeling of protein sequence and biophysical properties (such as structural, functional, and spatial information, amino acid conservation, physicochemical variation, residue mobility, and thermodynamic stability) performed at Invitae indicates that this missense variant is not expected to disrupt SLC26A1 protein function with a negative predictive value of 80%. In summary, the available evidence is currently insufficient to determine the role of this variant in disease. Therefore, it has been classified as a Variant of Uncertain Significance.